The following is an entry in ClinVar:

NM_014681.6(DHX34):c.2836C>T (p.Leu946Phe)

Gene: DHX34 (DExH-box helicase 34; plus strand). Cytogenetic location: 19q13.32.
Variant type: single nucleotide variant.
Coding change: c.2836C>T on transcript NM_014681.6 (MANE Select); coding-DNA position 2836, C replaced by T.
Protein change: p.Leu946Phe; replaces leucine 946 with phenylalanine.
Molecular consequence: missense variant.
Genome position (GRCh38, 1-based): chr19:47,379,839, C>T. VCF-style: chr19-47379839-C-T. GRCh37 (hg19) VCF-style: chr19-47883096-C-T.
Other names: short protein forms L946F.
Identifiers: ClinVar variation 3037806 (VCV003037806.2), dbSNP rs78657998, ClinGen allele CA9538723.
Genomic context (GRCh38, chr19:47,379,839, plus strand): 5'-CTGGAGCTGCAGCTAGCAGACAGTGAAAGTGCCATCCGACTCCTGGCGGCTTCCCTGCGG[C>T]TCCGTGCCCGCTGGGAAAGTGCCCTGGACCGGCAGCTGGCGCACCAGGCCCAGCAGCAGC-3'
Protein context (NP_055496.2, residues 936-956): AIRLLAASLR[Leu946Phe]RARWESALDR

ClinVar aggregate classification (germline): Benign (0 of 4 stars; one submission).

Conditions:
DHX34-related disorder. Also called: DHX34-related condition.

Allele frequency attached by ClinVar (database versions not stated): 1000 Genomes Project 0.00479; 1000 Genomes Project 30x 0.00500; TOPMed 0.01845; gnomAD 0.02047; ExAC 0.02074; ESP Exome Variant Server 0.02591; gnomAD exomes 0.03022.
gnomAD v4.1: 47,076 of 1,613,830 alleles (2.9%); highest among the groups gnomAD compares: Non-Finnish European, 3.5%; 820 homozygotes.

Submission:

PreventionGenetics, part of Exact Sciences
Classification: Benign for DHX34-related condition. Last evaluated: 2019-11-21. Review status: no assertion criteria provided. Collection method: clinical testing. Allele origin: germline.
Comment: This variant is classified as benign based on ACMG/AMP sequence variant interpretation guidelines (Richards et al. 2015 PMID: 25741868, with internal and published modifications).